The following is an entry in ClinVar:

NM_147127.5(EVC2):c.1184T>A (p.Leu395Gln)

Genes: EVC2 (EvC ciliary complex subunit 2; minus strand), LOC126806961 (BRD4-independent group 4 enhancer GRCh37_chr4:5641443-5642642; plus strand). Cytogenetic location: 4p16.2.
Variant type: single nucleotide variant.
Coding change: c.1184T>A on transcript NM_147127.5 (MANE Select); coding-DNA position 1184, T replaced by A.
Protein change: p.Leu395Gln; replaces leucine 395 with glutamine.
Molecular consequence: missense variant.
Genome position (GRCh38, 1-based): chr4:5,640,800, A>T on the plus strand (T>A on the coding strand, the complement: EVC2 is on the minus strand). VCF-style: chr4-5640800-A-T. GRCh37 (hg19) VCF-style: chr4-5642527-A-T.
Other names: c.944T>A, p.Leu315Gln (NM_001166136.2); short protein forms L315Q, L395Q.
Identifiers: ClinVar variation 3759974 (VCV003759974.2).

ClinVar aggregate classification (germline): Uncertain significance (1 of 4 stars; one submission).

Conditions:
Curry-Hall syndrome (WAD). Also called: WEYERS ACRODENTAL DYSOSTOSIS. Identifiers: Orphanet 952, MedGen C0457013, MONDO:0008673, OMIM 193530.
Ellis-van Creveld syndrome (EVC). Also called: EVC-Related Ellis-van Creveld Syndrome; EVC2-Related Ellis-van Creveld Syndrome; MESOECTODERMAL DYSPLASIA; Chondroectodermal dysplasia. Identifiers: Orphanet 289, MedGen C0013903, MONDO:0009162, OMIM 225500.

gnomAD v4.1: 9 of 1,614,098 alleles (0.00056%); highest among the groups gnomAD compares: Admixed American, 0.013%; no homozygotes.

Submission:

Labcorp Genetics (formerly Invitae), Labcorp
Classification: Uncertain significance for Curry-Hall syndrome; Ellis-van Creveld syndrome. Last evaluated: 2024-08-03. Review status: criteria provided, single submitter. Criteria: Invitae Variant Classification Sherloc (09022015). Collection method: clinical testing. Allele origin: germline.
Comment: This sequence change replaces leucine, which is neutral and non-polar, with glutamine, which is neutral and polar, at codon 395 of the EVC2 protein (p.Leu395Gln). This variant is present in population databases (rs777874498, gnomAD 0.02%). This variant has not been reported in the literature in individuals affected with EVC2-related conditions. An algorithm developed to predict the effect of missense changes on protein structure and function (PolyPhen-2) suggests that this variant is likely to be disruptive. In summary, the available evidence is currently insufficient to determine the role of this variant in disease. Therefore, it has been classified as a Variant of Uncertain Significance.